The following is an entry in ClinVar:

ClinVar aggregate classification (germline): Conflicting classifications of pathogenicity. Review status: criteria provided, conflicting classifications (1 of 4 stars). 3 submissions from 3 submitters: Uncertain significance (1); Likely benign (2). Last evaluated 2026-05-01.

Conditions:
Inborn genetic diseases. Identifiers: MedGen C0950123, MeSH D030342.

Allele frequency attached by ClinVar (database versions not stated): TOPMed 0.00002.
gnomAD v4.1: 38 of 1,548,378 alleles (0.0025%); highest among the groups gnomAD compares: Middle Eastern, 0.15%; no homozygotes.

Submissions (3):

CeGaT Center for Human Genetics Tuebingen
Classification: Likely benign. Last evaluated: 2026-05-01. Review status: criteria provided, single submitter. Criteria: CeGaT Center For Human Genetics Tuebingen Variant Classification Criteria Version 2. Collection method: clinical testing. Allele origin: germline. Affected: yes. Observed: 2 variant alleles.
Comment: SETD1B: PP2, BS2

Blueprint Genetics
Classification: Likely benign. Last evaluated: 2024-10-18. Review status: criteria provided, single submitter. Criteria: ACMG Guidelines, 2015. Collection method: clinical testing. Allele origin: germline.

Ambry Genetics
Classification: Uncertain significance for Inborn genetic diseases. Last evaluated: 2023-08-03. Review status: criteria provided, single submitter. Criteria: Ambry Variant Classification Scheme 2023. Collection method: clinical testing. Allele origin: germline.

NM_001353345.2(SETD1B):c.1653G>C (p.Gln551His)

Gene: SETD1B (SET domain containing 1B, histone lysine methyltransferase; plus strand). Cytogenetic location: 12q24.31.
Variant type: single nucleotide variant.
Coding change: c.1653G>C on transcript NM_001353345.2 (MANE Select); coding-DNA position 1653, G replaced by C.
Protein change: p.Gln551His; replaces glutamine 551 with histidine.
Molecular consequence: missense variant.
Genome position (GRCh38, 1-based): chr12:121,810,598, G>C. VCF-style: chr12-121810598-G-C. GRCh37 (hg19) VCF-style: chr12-122248504-G-C.
Other names: NM_015048.1:c.1653G>C; short protein forms Q551H.
Identifiers: ClinVar variation 2342475 (VCV002342475.17), dbSNP rs780252152, ClinGen allele CA6838886.